The following is an entry in ClinVar:

NM_199420.4(POLQ):c.1061C>A (p.Ala354Glu)

Gene: POLQ (DNA polymerase theta; minus strand). Cytogenetic location: 3q13.33.
Variant type: single nucleotide variant.
Coding change: c.1061C>A on transcript NM_199420.4 (MANE Select); coding-DNA position 1061, C replaced by A.
Protein change: p.Ala354Glu; replaces alanine 354 with glutamic acid.
Molecular consequence: missense variant.
Genome position (GRCh38, 1-based): chr3:121,529,692, G>T on the plus strand (C>A on the coding strand, the complement: POLQ is on the minus strand). VCF-style: chr3-121529692-G-T. GRCh37 (hg19) VCF-style: chr3-121248539-G-T.
Other names: short protein forms A354E.
Identifiers: ClinVar variation 2449537 (VCV002449537.2), dbSNP rs1190411563, ClinGen allele CA354124475.
Genomic context (GRCh38, chr3:121,529,692, plus strand): 5'-ATCCATAACTCACCCTCAGCTTGATGATGTAGATTATAAAACTCTCGAGCAATGATATCT[G>T]CCAGCTTCTCACACCATTTCTTTGATGGACAAAAAAGTAATACTGAATGGTTATCACAAA-3'
Protein context (NP_955452.3, residues 344-364): CPSKKWCEKL[Ala354Glu]DIIAREFYNL

ClinVar aggregate classification (germline): Uncertain significance (1 of 4 stars; one submission).

Allele frequency attached by ClinVar (database versions not stated): TOPMed 0.00001.
gnomAD v4.1: 5 of 1,612,990 alleles (0.00031%); highest among the groups gnomAD compares: South Asian, 0.0011%; no homozygotes.

Submission:

Ambry Genetics
Classification: Uncertain significance. Last evaluated: 2023-01-23. Review status: criteria provided, single submitter. Criteria: Ambry Variant Classification Scheme 2023. Collection method: clinical testing. Allele origin: germline.
Comment: The p.A354E variant (also known as c.1061C>A), located in coding exon 7 of the POLQ gene, results from a C to A substitution at nucleotide position 1061. The alanine at codon 354 is replaced by glutamic acid, an amino acid with dissimilar properties. This amino acid position is conserved. In addition, this alteration is predicted to be deleterious by in silico analysis. Since supporting evidence is limited at this time, the clinical significance of this alteration remains unclear.